The following is an entry in ClinVar:

ClinVar aggregate classification (germline): Uncertain significance (1 of 4 stars; one submission).

Conditions:
Myopathy, centronuclear, 2 (CNM2). Also called: MYOTUBULAR MYOPATHY, AUTOSOMAL RECESSIVE. Identifiers: Orphanet 169186, MedGen CN031787, MONDO:0009709, OMIM 255200.

Submission:

Labcorp Genetics (formerly Invitae), Labcorp
Classification: Uncertain significance for Myopathy, centronuclear, 2. Last evaluated: 2024-12-03. Review status: criteria provided, single submitter. Criteria: Invitae Variant Classification Sherloc (09022015). Collection method: clinical testing. Allele origin: germline.
Comment: This sequence change replaces isoleucine, which is neutral and non-polar, with asparagine, which is neutral and polar, at codon 310 of the BIN1 protein (p.Ile310Asn). This variant is not present in population databases (gnomAD no frequency). This variant has not been reported in the literature in individuals affected with BIN1-related conditions. Invitae Evidence Modeling of protein sequence and biophysical properties (such as structural, functional, and spatial information, amino acid conservation, physicochemical variation, residue mobility, and thermodynamic stability) indicates that this missense variant is not expected to disrupt BIN1 protein function with a negative predictive value of 80%. In summary, the available evidence is currently insufficient to determine the role of this variant in disease. Therefore, it has been classified as a Variant of Uncertain Significance.

NM_139343.3(BIN1):c.929T>A (p.Ile310Asn)

Gene: BIN1 (bridging integrator 1; minus strand). Cytogenetic location: 2q14.3.
Variant type: single nucleotide variant.
Coding change: c.929T>A on transcript NM_139343.3 (MANE Select); coding-DNA position 929, T replaced by A.
Protein change: p.Ile310Asn; replaces isoleucine 310 with asparagine.
Molecular consequence: missense variant.
Genome position (GRCh38, 1-based): chr2:127,059,084, A>T on the plus strand (T>A on the coding strand, the complement: BIN1 is on the minus strand). VCF-style: chr2-127059084-A-T. GRCh37 (hg19) VCF-style: chr2-127816660-A-T.
Other names: c.881T>A, p.Ile294Asn (NM_001320632.2, NM_004305.4, NM_139346.3); c.929T>A, p.Ile310Asn (NM_001320633.2, NM_001320640.2, NM_139344.3 and 1 more transcripts); c.764T>A, p.Ile255Asn (NM_001320634.1); c.836T>A, p.Ile279Asn (NM_001320641.2, NM_139347.3, NM_139348.3 and 3 more transcripts); c.848T>A, p.Ile283Asn (NM_001320642.1); short protein forms I279N, I283N, I294N, I310N, I255N.
Identifiers: ClinVar variation 3723491 (VCV003723491.2).